The following is an entry in ClinVar:

ClinVar aggregate classification (germline): Likely benign. Review status: criteria provided, multiple submitters, no conflicts (2 of 4 stars). 4 submissions from 4 submitters: Likely benign (3). 1 of the submissions does not count toward it. Last evaluated 2022-02-10.

Conditions:
DNAAF1-related disorder. Also called: DNAAF1-related condition.
Primary ciliary dyskinesia. Also called: Ciliary dyskinesia. Identifiers: Orphanet 244, MedGen C0008780, MONDO:0016575, HP:0012265.

Allele frequency attached by ClinVar (database versions not stated): gnomAD exomes below 0.00001 and 0.00002; ExAC 0.00002; gnomAD 0.00003; ESP Exome Variant Server 0.00008; TOPMed 0.00008.
gnomAD v4.1: 14 of 1,613,792 alleles (0.00087%); highest among the groups gnomAD compares: African/African-American, 0.019%; no homozygotes.

Submissions (4):

Labcorp Genetics (formerly Invitae), Labcorp
Classification: Likely benign for Primary ciliary dyskinesia. Last evaluated: 2022-02-10. Review status: criteria provided, single submitter. Criteria: Invitae Variant Classification Sherloc (09022015). Collection method: clinical testing. Allele origin: germline.

Ambry Genetics
Classification: Likely benign for Primary ciliary dyskinesia. Last evaluated: 2020-05-18. Review status: criteria provided, single submitter. Criteria: Ambry Variant Classification Scheme 2023. Collection method: clinical testing. Allele origin: germline.

Blueprint Genetics
Classification: Likely benign. Last evaluated: 2020-05-08. Review status: criteria provided, single submitter. Criteria: ACMG Guidelines, 2015. Collection method: clinical testing. Allele origin: germline.

PreventionGenetics, part of Exact Sciences
Classification: Likely benign for DNAAF1-related condition. Last evaluated: 2019-08-28. Review status: no assertion criteria provided. Collection method: clinical testing. Allele origin: germline. Not counted in ClinVar's aggregate classification.
Comment: This variant is classified as likely benign based on ACMG/AMP sequence variant interpretation guidelines (Richards et al. 2015 PMID: 25741868, with internal and published modifications).

NM_178452.6(DNAAF1):c.315C>G (p.Thr105=)

Gene: DNAAF1 (dynein axonemal assembly factor 1; plus strand). Cytogenetic location: 16q24.1.
Variant type: single nucleotide variant.
Coding change: c.315C>G on transcript NM_178452.6 (MANE Select); coding-DNA position 315, C replaced by G.
Protein change: p.Thr105=; no amino-acid change (threonine 105 retained).
Molecular consequence: synonymous variant.
Genome position (GRCh38, 1-based): chr16:84,150,305, C>G. VCF-style: chr16-84150305-C-G. GRCh37 (hg19) VCF-style: chr16-84183910-C-G.
Other names: c.315C>G (NM_178452.5).
Identifiers: ClinVar variation 525543 (VCV000525543.14), dbSNP rs144962513, ClinGen allele CA8202439.